The following is an entry in ClinVar:

NM_001069.3(TUBB2A):c.150C>T (p.Tyr50=)

Gene: TUBB2A (tubulin beta 2A class IIa; minus strand). Cytogenetic location: 6p25.2.
Variant type: single nucleotide variant.
Coding change: c.150C>T on transcript NM_001069.3 (MANE Select); coding-DNA position 150, C replaced by T.
Protein change: p.Tyr50=; no amino-acid change (tyrosine 50 retained).
Molecular consequence: synonymous variant. On other transcripts: 5 prime UTR variant (1).
Genome position (GRCh38, 1-based): chr6:3,156,060, G>A on the plus strand (C>T on the coding strand, the complement: TUBB2A is on the minus strand). VCF-style: chr6-3156060-G-A. GRCh37 (hg19) VCF-style: chr6-3156294-G-A.
Other names: c.-238C>T (NM_001310315.2).
Identifiers: ClinVar variation 3056130 (VCV003056130.2), dbSNP rs1462485947, ClinGen allele CA448452468.

ClinVar aggregate classification (germline): Likely benign (0 of 4 stars; one submission).

Conditions:
TUBB2A-related disorder. Also called: TUBB2A-related condition.

Submission:

PreventionGenetics, part of Exact Sciences
Classification: Likely benign for TUBB2A-related condition. Last evaluated: 2021-11-01. Review status: no assertion criteria provided. Collection method: clinical testing. Allele origin: germline.
Comment: This variant is classified as likely benign based on ACMG/AMP sequence variant interpretation guidelines (Richards et al. 2015 PMID: 25741868, with internal and published modifications).